The following is an entry in ClinVar:

ClinVar aggregate classification (germline): Uncertain significance (1 of 4 stars; one submission).

Conditions:
Kabuki syndrome. Also called: Kabuki make-up syndrome; NIIKAWA-KUROKI SYNDROME. Identifiers: Orphanet 2322, MedGen C0796004, MONDO:0016512.

Allele frequency attached by ClinVar (database versions not stated): gnomAD 0.00001.
gnomAD v4.1: 4 of 1,613,810 alleles (0.00025%); highest among the groups gnomAD compares: Non-Finnish European, 0.00025%; no homozygotes.

Submission:

Labcorp Genetics (formerly Invitae), Labcorp
Classification: Uncertain significance for Kabuki syndrome. Last evaluated: 2022-06-27. Review status: criteria provided, single submitter. Criteria: Invitae Variant Classification Sherloc (09022015). Collection method: clinical testing. Allele origin: germline.
Comment: In summary, the available evidence is currently insufficient to determine the role of this variant in disease. Therefore, it has been classified as a Variant of Uncertain Significance. Advanced modeling of protein sequence and biophysical properties (such as structural, functional, and spatial information, amino acid conservation, physicochemical variation, residue mobility, and thermodynamic stability) performed at Invitae indicates that this missense variant is not expected to disrupt KMT2D protein function. This variant has not been reported in the literature in individuals affected with KMT2D-related conditions. This variant is not present in population databases (gnomAD no frequency). This sequence change replaces glutamic acid, which is acidic and polar, with aspartic acid, which is acidic and polar, at codon 1233 of the KMT2D protein (p.Glu1233Asp).

NM_003482.4(KMT2D):c.3699G>C (p.Glu1233Asp)

Genes: KMT2D (lysine methyltransferase 2D; minus strand), LOC126861520 (CDK7 strongly-dependent group 2 enhancer GRCh37_chr12:49442744-49443943; plus strand). Cytogenetic location: 12q13.12.
Variant type: single nucleotide variant.
Coding change: c.3699G>C on transcript NM_003482.4 (MANE Select); coding-DNA position 3699, G replaced by C.
Protein change: p.Glu1233Asp; replaces glutamic acid 1233 with aspartic acid.
Molecular consequence: missense variant.
Genome position (GRCh38, 1-based): chr12:49,049,889, C>G on the plus strand (G>C on the coding strand, the complement: KMT2D is on the minus strand). VCF-style: chr12-49049889-C-G. GRCh37 (hg19) VCF-style: chr12-49443672-C-G.
Other names: short protein forms E1233D.
Identifiers: ClinVar variation 1414928 (VCV001414928.8), dbSNP rs759510649, ClinGen allele CA384655772.